The following is an entry in ClinVar:

ClinVar aggregate classification (germline): Uncertain significance. Review status: criteria provided, multiple submitters, no conflicts (2 of 4 stars). 2 submissions from 2 submitters: Uncertain significance (2). Last evaluated 2025-07-22.

Conditions:
Hereditary cancer-predisposing syndrome. Also called: Hereditary neoplastic syndrome; Neoplastic Syndromes, Hereditary; Tumor predisposition; Hereditary Cancer Syndrome. Identifiers: Orphanet 140162, MedGen C0027672, MeSH D009386, MONDO:0015356.
Neurofibromatosis, type 1 (NF1). Also called: VON RECKLINGHAUSEN DISEASE; Peripheral type neurofibromatosis; NEUROFIBROMATOSIS, TYPE I, SOMATIC; Neurofibromatosis, type I. Identifiers: Orphanet 636, MedGen C0027831, MONDO:0018975, OMIM 162200. Disease mechanism: loss of function.

Allele frequency attached by ClinVar (database versions not stated): gnomAD exomes below 0.00001.
gnomAD v4.1: 1 of 1,537,778 alleles (0.000065%); highest among the groups gnomAD compares: Non-Finnish European, 0.000087%; no homozygotes.

Submissions (2):

Labcorp Genetics (formerly Invitae), Labcorp
Classification: Uncertain significance for Neurofibromatosis, type 1. Last evaluated: 2025-07-22. Review status: criteria provided, single submitter. Criteria: Invitae Variant Classification Sherloc (09022015). Collection method: clinical testing. Allele origin: germline.
Comment: This sequence change replaces alanine, which is neutral and non-polar, with valine, which is neutral and non-polar, at codon 2 of the NF1 protein (p.Ala2Val). This variant is not present in population databases (gnomAD no frequency). This variant has not been reported in the literature in individuals affected with NF1-related conditions. ClinVar contains an entry for this variant (Variation ID: 480069). Invitae Evidence Modeling of protein sequence and biophysical properties (such as structural, functional, and spatial information, amino acid conservation, physicochemical variation, residue mobility, and thermodynamic stability) indicates that this missense variant is expected to disrupt NF1 protein function with a positive predictive value of 95%. In summary, the available evidence is currently insufficient to determine the role of this variant in disease. Therefore, it has been classified as a Variant of Uncertain Significance.

Ambry Genetics
Classification: Uncertain significance for Hereditary cancer-predisposing syndrome. Last evaluated: 2016-01-12. Review status: criteria provided, single submitter. Criteria: Ambry Autosomal Dominant and X-Linked criteria (10/2015). Collection method: clinical testing. Allele origin: germline. Observed: 1 variant allele.
Comment: The p.A2V variant (also known as c.5C>T), located in coding exon 1 of the NF1 gene, results from a C to T substitution at nucleotide position 5. The alanine at codon 2 is replaced by valine, an amino acid with similar properties. This variant was not reported in population based cohorts in the following databases: Database of Single Nucleotide Polymorphisms (dbSNP), NHLBI Exome Sequencing Project (ESP), and 1000 Genomes Project. In the ESP, this variant was not observed in 5171 samples (10342 alleles) with coverage at this position. To date, this alteration has been detected with an allele frequency of approximately 0.001% (greater than 110000alleles tested) in our clinical cohort.This amino acid position is well conserved in limited available vertebrate species. In addition, this alteration is predicted to be tolerated by in silico analysis.Since supporting evidence is limited at this time, the clinical significance of p.A2Vremains unclear.

NM_001042492.3(NF1):c.5C>T (p.Ala2Val)

Genes: MIR4733HG (MIR4733 host gene; minus strand), NF1 (neurofibromin 1; plus strand), LOC111811965 (NF1 (neurofibromin 1) promoter region; plus strand). Cytogenetic location: 17q11.2.
Variant type: single nucleotide variant.
Coding change: c.5C>T on transcript NM_001042492.3 (MANE Select); coding-DNA position 5, C replaced by T.
Protein change: p.Ala2Val; replaces alanine 2 with valine.
Molecular consequence: missense variant. On other transcripts: non-coding transcript variant (1).
Genome position (GRCh38, 1-based): chr17:31,095,314, C>T. VCF-style: chr17-31095314-C-T. GRCh37 (hg19) VCF-style: chr17-29422332-C-T.
Other names: c.5C>T, p.Ala2Val (NM_000267.4, NM_001128147.3); short protein forms A2V.
Identifiers: ClinVar variation 480069 (VCV000480069.4), dbSNP rs1555594473, ClinGen allele CA398979169.